The following is an entry in ClinVar:

NM_000330.4(RS1):c.577C>T (p.Pro193Ser)

Genes: CDKL5 (cyclin dependent kinase like 5; plus strand), RS1 (retinoschisin 1; minus strand). Cytogenetic location: Xp22.13.
Variant type: single nucleotide variant.
Coding change: c.577C>T on transcript NM_000330.4 (MANE Select); coding-DNA position 577, C replaced by T.
Protein change: p.Pro193Ser; replaces proline 193 with serine.
Molecular consequence: missense variant. On other transcripts: intron variant (2).
Genome position (GRCh38, 1-based): chrX:18,642,102, G>A on the plus strand (C>T on the coding strand, the complement: RS1 is on the minus strand). VCF-style: chrX-18642102-G-A. GRCh37 (hg19) VCF-style: chrX-18660222-G-A.
Other names: NM_000330.4(RS1):c.577C>T; c.2714-3905G>A (NM_003159.3, NM_001037343.2); short protein forms P193S.
Identifiers: ClinVar variation 98993 (VCV000098993.14), dbSNP rs281865351, ClinGen allele CA226792.

ClinVar aggregate classification (germline): Pathogenic. Review status: reviewed by expert panel (3 of 4 stars). 5 submissions from 5 submitters: Pathogenic (1). 4 of the submissions do not count toward it. Last evaluated 2026-09-26.

Conditions:
Juvenile retinoschisis (RS1). Also called: X-Linked Juvenile Retinoschisis; X-linked retinoschisis. Identifiers: Orphanet 792, MedGen C3714753, MONDO:0010725, OMIM 312700.

Submissions (5):

ClinGen X-linked Inherited Retinal Disease Variant Curation Expert Panel, ClinGen
Classification: Pathogenic for Juvenile retinoschisis. Last evaluated: 2026-09-26. Review status: reviewed by expert panel. Criteria: ClinGen X LinkedIRD ACMG Specifications RS1 V1.0.0. Collection method: curation. Allele origin: germline. Inheritance: X-linked inheritance.
Comment: The NM_000330.4(RS1):c.577C>T variant is a missense encoding the substitution of Proline with Serine at position 193. This variant is absent from hemizygous individuals in gnomAD v4.1.0 (PM2_Supporting). The computational predictor REVEL gives a score of 0.959, which is above the ClinGen X-linked IRD VCEP threshold of >0.932 and predicts a damaging effect on RS1 function (PP3_strong). The computational splicing predictor SpliceAI gives a delta score of 0.00 for all predictive splice changes, which is below the ClinGen X-linked IRD VCEP threshold of >0.2 and does not predict that the variant disrupts RS1 splicing. At least one proband harboring this variant exhibits a phenotype including appearance of schisis and reduced visual acuity before age 13 years, which together are specific for X-linked retinoschisis (PMID: 15281981, PP4). This variant has been reported in at least 5 apparently unrelated probands meeting one of the PS4 requirements of a male diagnosed with XLRS (PMIDs: 34624300, 29739629, Electrodiagnosis of Retinal Diseases / Yozo Miyake [Book, ISBN 9784431303060, publisher Springer Japan], DOI 10.48560/rspo.32932, 10.1134/S1022795421070139, 38219857, 15281981, 34645606, PS4). Sergeev et al. report on the conformational change that occurs because of this amino acid change. The author hypothesizes that this variant will be secreted (PMID: 20061330). The work included only predictions on RS1 structure and secretion and the PS3 code was not used. In summary, this variant is classified as pathogenic for X-linked retinoschisis based on the ClinGen X-linked Inherited Retinal Disease Expert Panel Specifications to the ACMG/AMP Variant Interpretation Guidelines for RS1 Version 1.0.0: PM2_supporting, PP3_strong, PP4, and PS4_strong

Dasa
Classification: Pathogenic. Last evaluated: 2025-11-17. Review status: criteria provided, single submitter. Criteria: DASA Assertion Criteria. Collection method: clinical testing. Allele origin: germline. Not counted in ClinVar's aggregate classification.
Comment: NM_000330.4(RS1):c.577C>T (p.Pro193Ser) is a missense variant that results in the substitution of proline with serine. The affected residue or protein region has prior evidence supporting clinical relevance. De novo occurrence has been reported in an individual with related phenotype. This variant has been recurrently observed in individuals with related phenotype (PMID: 15281981; PMID: 11139690; PMID: 9326935). Multiple computational predictions support a deleterious effect on the gene or gene product. The variant is present at low frequency in population datasets. Based on the available data, this variant is classified as pathogenic.

Labcorp Genetics (formerly Invitae), Labcorp
Classification: Pathogenic. Last evaluated: 2022-07-12. Review status: criteria provided, single submitter. Criteria: Invitae Variant Classification Sherloc (09022015). Collection method: clinical testing. Allele origin: germline. Not counted in ClinVar's aggregate classification.
Comment: This variant is not present in population databases (gnomAD no frequency). For these reasons, this variant has been classified as Pathogenic. This variant disrupts the p.Pro193 amino acid residue in RS1. Other variant(s) that disrupt this residue have been observed in individuals with RS1-related conditions (PMID: 9326935), which suggests that this may be a clinically significant amino acid residue. Advanced modeling of protein sequence and biophysical properties (such as structural, functional, and spatial information, amino acid conservation, physicochemical variation, residue mobility, and thermodynamic stability) performed at Invitae indicates that this missense variant is expected to disrupt RS1 protein function. ClinVar contains an entry for this variant (Variation ID: 98993). This missense change has been observed in individuals with retinoschisis (PMID: 11139690, 15281981, 20061330). This sequence change replaces proline, which is neutral and non-polar, with serine, which is neutral and polar, at codon 193 of the RS1 protein (p.Pro193Ser).

GeneDx
Classification: Likely pathogenic. Last evaluated: 2019-05-09. Review status: criteria provided, single submitter. Criteria: GeneDx Variant Classification Process June 2021. Collection method: clinical testing. Allele origin: germline. Affected: yes. Not counted in ClinVar's aggregate classification.
Comment: Not observed in large population cohorts (Lek et al., 2016); In silico analysis, which includes protein predictors and evolutionary conservation, supports a deleterious effect; This variant is associated with the following publications: (PMID: 24138048, 20061330, 15281981)

Retina International
No classification provided. Review status: no classification provided. Collection method: not provided. Allele origin: unknown. Not counted in ClinVar's aggregate classification.

Literature cited by the submitters: PubMed 15281981 (cited by Dasa and Labcorp Genetics (formerly Invitae), Labcorp); PubMed 11139690 (cited by Dasa and Labcorp Genetics (formerly Invitae), Labcorp); PubMed 9326935 (cited by Dasa and Labcorp Genetics (formerly Invitae), Labcorp); PubMed 20061330 (cited by Labcorp Genetics (formerly Invitae), Labcorp).